The following is an entry in ClinVar:

NM_001267550.2(TTN):c.18920del (p.Ser6307fs)

Genes: TTN (titin; minus strand), LOC126806430 (BRD4-independent group 4 enhancer GRCh37_chr2:179593794-179594993; plus strand). Cytogenetic location: 2q31.2.
Variant type: Deletion.
Coding change: c.18920del on transcript NM_001267550.2 (MANE Select); coding-DNA position 18920, one base deleted (G; older notation c.18920delG).
Protein change: p.Ser6307fs; shifts the reading frame from serine 6307.
Molecular consequence: frameshift variant. On other transcripts: intron variant (3).
Genome position (GRCh38, 1-based): chr2:178,729,118, C deleted on the plus strand (G on the coding strand, the reverse complement: TTN is on the minus strand). VCF-style (leftmost placement, unchanged base first): chr2-178729117-AC-A. GRCh37 (hg19) VCF-style: chr2-179593844-AC-A.
Other names: c.17969del, p.Ser5990fs (NM_001256850.1); c.18920delG, p.Ser6307Ilefs (NM_001267550.1); c.15188del, p.Ser5063fs (NM_133378.4); c.13282+8964del (NM_003319.4); c.13858+8964del (NM_133437.4); c.13657+8964del (NM_133432.3); short protein forms S5063fs, S5990fs, S6307fs.
Identifiers: ClinVar variation 4527570 (VCV004527570.2).

ClinVar aggregate classification (germline): Conflicting classifications of pathogenicity. Review status: criteria provided, conflicting classifications (1 of 4 stars). 2 submissions from 2 submitters: Pathogenic (1); Uncertain significance (1). Last evaluated 2025-04-28.

Submissions (2):

GeneDx
Classification: Uncertain significance. Last evaluated: 2025-04-28. Review status: criteria provided, single submitter. Criteria: GeneDx Variant Classification Process June 2021. Collection method: clinical testing. Allele origin: germline. Affected: yes.
Comment: Not observed at significant frequency in large population cohorts (gnomAD); Frameshift variant predicted to result in protein truncation or nonsense mediated decay in a gene or region of a gene for which loss of function is not a well-established mechanism of disease; Has not been previously published as pathogenic or benign to our knowledge

Dasa
Classification: Pathogenic. Last evaluated: 2024-10-11. Review status: criteria provided, single submitter. Criteria: DASA Assertion Criteria. Collection method: clinical testing. Allele origin: germline.
Comment: NM_001267550.2(TTN):c.18920del (p.Ser6307Ilefs*17) introduces a premature termination codon predicted to result in loss of normal protein function. Loss-of-function is an established mechanism of disease for this gene. This variant has been observed in affected individuals with related phenotype in a genotype context consistent with recessive disease. The variant is present at low frequency in population datasets. Based on the available data, this variant is classified as pathogenic.